The following is an entry in ClinVar:

ClinVar aggregate classification (germline): Uncertain significance. Review status: criteria provided, multiple submitters, no conflicts (2 of 4 stars). 3 submissions from 3 submitters: Uncertain significance (3). Last evaluated 2025-12-09.

Conditions:
Hypertrophic cardiomyopathy. Also called: HYPERTROPHIC MYOCARDIOPATHY. Identifiers: Orphanet 217569, MedGen C0007194, MeSH D002312, MONDO:0005045, HP:0001639.
Hypertrophic cardiomyopathy 4. Also called: Familial hypertrophic cardiomyopathy 4. Identifiers: MedGen C1861862, MONDO:0007268, OMIM 115197.
Left ventricular noncompaction 10 (LVNC10). Identifiers: Orphanet 154, Orphanet 54260, MedGen C3715165, MONDO:0014163, OMIM 615396.

Allele frequency attached by ClinVar (database versions not stated): ExAC 0.00001.
gnomAD v4.1: 7 of 1,613,096 alleles (0.00043%); highest among the groups gnomAD compares: East Asian, 0.0022%; no homozygotes.

Submissions (3):

Labcorp Genetics (formerly Invitae), Labcorp
Classification: Uncertain significance for Hypertrophic cardiomyopathy. Last evaluated: 2025-12-09. Review status: criteria provided, single submitter. Criteria: Invitae Variant Classification Sherloc (09022015). Collection method: clinical testing. Allele origin: germline.
Comment: This sequence change replaces alanine, which is neutral and non-polar, with valine, which is neutral and non-polar, at codon 848 of the MYBPC3 protein (p.Ala848Val). This variant is present in population databases (rs730880569, gnomAD 0.006%). This missense change has been observed in individual(s) with hypertrophic cardiomyopathy (PMID: 23816408). ClinVar contains an entry for this variant (Variation ID: 1677564). An algorithm developed to predict the effect of missense changes on protein structure and function (PolyPhen-2) suggests that this variant is likely to be disruptive. This variant disrupts the p.Ala848 amino acid residue in MYBPC3. Other variant(s) that disrupt this residue have been observed in individuals with MYBPC3-related conditions (PMID: 23816408, 25740977, 33782553), which suggests that this may be a clinically significant amino acid residue. In summary, the available evidence is currently insufficient to determine the role of this variant in disease. Therefore, it has been classified as a Variant of Uncertain Significance.

AiLife Diagnostics
Classification: Uncertain significance. Last evaluated: 2021-10-13. Review status: criteria provided, single submitter. Criteria: ACMG Guidelines, 2015. Collection method: clinical testing. Allele origin: germline. Affected: yes. Observed: 1 variant allele.

Fulgent Genetics
Classification: Uncertain significance for Hypertrophic cardiomyopathy 4; Left ventricular noncompaction 10. Last evaluated: 2021-08-03. Review status: criteria provided, single submitter. Criteria: ACMG Guidelines, 2015. Collection method: clinical testing. Allele origin: unknown.

Literature cited by the submitters: PubMed 23816408 (cited by Labcorp Genetics (formerly Invitae), Labcorp and AiLife Diagnostics); PubMed 25740977 (cited by Labcorp Genetics (formerly Invitae), Labcorp); PubMed 33782553 (cited by Labcorp Genetics (formerly Invitae), Labcorp).

NM_000256.3(MYBPC3):c.2543C>T (p.Ala848Val)

Gene: MYBPC3 (myosin binding protein C3; minus strand). Cytogenetic location: 11p11.2.
Variant type: single nucleotide variant.
Coding change: c.2543C>T on transcript NM_000256.3 (MANE Select); coding-DNA position 2543, C replaced by T.
Protein change: p.Ala848Val; replaces alanine 848 with valine.
Molecular consequence: missense variant.
Genome position (GRCh38, 1-based): chr11:47,337,450, G>A on the plus strand (C>T on the coding strand, the complement: MYBPC3 is on the minus strand). VCF-style: chr11-47337450-G-A. GRCh37 (hg19) VCF-style: chr11-47359001-G-A.
Other names: short protein forms A848V.
Identifiers: ClinVar variation 1677564 (VCV001677564.4), dbSNP rs730880569, ClinGen allele CA078799.